The following is an entry in ClinVar:

NM_006227.4(PLTP):c.41G>A (p.Gly14Asp)

Gene: PLTP (phospholipid transfer protein; minus strand). Cytogenetic location: 20q13.12.
Variant type: single nucleotide variant.
Coding change: c.41G>A on transcript NM_006227.4 (MANE Select); coding-DNA position 41, G replaced by A.
Protein change: p.Gly14Asp; replaces glycine 14 with aspartic acid.
Molecular consequence: missense variant.
Genome position (GRCh38, 1-based): chr20:45,911,412, C>T on the plus strand (G>A on the coding strand, the complement: PLTP is on the minus strand). VCF-style: chr20-45911412-C-T. GRCh37 (hg19) VCF-style: chr20-44540051-C-T.
Other names: c.41G>A, p.Gly14Asp (NM_001242920.2, NM_182676.3); short protein forms G14D.
Identifiers: ClinVar variation 4718478 (VCV004718478.1).

ClinVar aggregate classification (germline): Uncertain significance (1 of 4 stars; one submission).

Submission:

Labcorp Genetics (formerly Invitae), Labcorp
Classification: Uncertain significance. Last evaluated: 2025-11-03. Review status: criteria provided, single submitter. Criteria: Invitae Variant Classification Sherloc (09022015). Collection method: clinical testing. Allele origin: germline.
Comment: This sequence change replaces glycine, which is neutral and non-polar, with aspartic acid, which is acidic and polar, at codon 14 of the PLTP protein (p.Gly14Asp). This variant is present in population databases (no rsID available, gnomAD 0.004%). This variant has not been reported in the literature in individuals affected with PLTP-related conditions. Experimental studies and prediction algorithms are not available or were not evaluated, and the functional significance of this variant is currently unknown. In summary, the available evidence is currently insufficient to determine the role of this variant in disease. Therefore, it has been classified as a Variant of Uncertain Significance.